The following is an entry in ClinVar:

NM_000202.8(IDS):c.411del (p.His138fs)

Gene: IDS (iduronate 2-sulfatase; minus strand). Cytogenetic location: Xq28.
Variant type: Deletion.
Coding change: c.411del on transcript NM_000202.8 (MANE Select); coding-DNA position 411, one base deleted (T; older notation c.411delT).
Protein change: p.His138fs; shifts the reading frame from histidine 138.
Molecular consequence: frameshift variant. On other transcripts: non-coding transcript variant (1).
Genome position (GRCh38, 1-based): chrX:149,503,319, A deleted on the plus strand (T on the coding strand, the reverse complement: IDS is on the minus strand); the first of 3 consecutive A bases (chrX:149,503,319-149,503,321); deleting any one gives the same sequence. VCF-style (leftmost placement, unchanged base first): chrX-149503318-GA-G. GRCh37 (hg19) VCF-style: chrX-148584848-GA-G.
Other names: c.141del, p.His48fs (NM_001166550.4); c.411del, p.His138fs (NM_006123.5); short protein forms H138fs, H48fs.
Identifiers: ClinVar variation 221216 (VCV000221216.4), dbSNP rs864622776, ClinGen allele CA348609.

ClinVar aggregate classification (germline): Pathogenic. Review status: criteria provided, multiple submitters, no conflicts (2 of 4 stars). 2 submissions from 2 submitters: Pathogenic (2). Last evaluated 2024-06-07.

Conditions:
Mucopolysaccharidosis, MPS-II (MPS2). Also called: Hunter Syndrome; Mucopolysaccharidosis with skin involvement; Mucopolysaccharidosis type 2; IDURONATE 2-SULFATASE DEFICIENCY; Mucopolysaccharidosis Type II; IDS deficiency. Identifiers: Orphanet 580, Orphanet 79388, MedGen C0026705, MONDO:0010674, OMIM 309900.

Submissions (2):

Laboratory of Diagnosis and Therapy of Lysosomal Disorders, University of Padova
Classification: Pathogenic for Mucopolysaccharidosis, MPS-II. Last evaluated: 2024-06-07. Review status: criteria provided, single submitter. Criteria: ACMG Guidelines, 2015. Collection method: literature only. Allele origin: germline. Affected: yes. Observed: 1 variant allele.
Comment: Null variant (PVS1_VeryStrong), Absent from controls (or at low frequency) in gnomAD database (PM2_Moderate), Patient’s phenotype or family history highly specific for the disease (PP4_Moderate)

Classification method: ACMG Guidelines [PMID:25741868] with modifications

IIFP, CONICET-UNLP
Classification: Pathogenic for Mucopolysaccharidosis, MPS-II. Last evaluated: 2007-12-11. Review status: criteria provided, single submitter. Criteria: ACMG Guidelines, 2007. Collection method: research. Allele origin: maternal. Inheritance: X-linked inheritance. Affected: yes. Observed: 1 variant allele.

Literature cited by the submitters: PubMed 27896113 (cited by Laboratory of Diagnosis and Therapy of Lysosomal Disorders, University of Padova); DOI 10.1016/j.ymgmr.2014.08.006 (cited by IIFP, CONICET-UNLP).